The following is an entry in ClinVar:

NM_033028.5(BBS4):c.1107G>A (p.Lys369=)

Gene: BBS4 (Bardet-Biedl syndrome 4; plus strand). Cytogenetic location: 15q24.1.
Variant type: single nucleotide variant.
Coding change: c.1107G>A on transcript NM_033028.5 (MANE Select); coding-DNA position 1107, G replaced by A.
Protein change: p.Lys369=; no amino-acid change (lysine 369 retained).
Molecular consequence: synonymous variant. On other transcripts: non-coding transcript variant (2).
Genome position (GRCh38, 1-based): chr15:72,735,825, G>A. VCF-style: chr15-72735825-G-A. GRCh37 (hg19) VCF-style: chr15-73028166-G-A.
Other names: c.591G>A, p.Lys197= (NM_001252678.2); c.1038G>A, p.Lys346= (NM_001320665.2).
Identifiers: ClinVar variation 941771 (VCV000941771.8), dbSNP rs773893992, ClinGen allele CA7646917.

ClinVar aggregate classification (germline): Uncertain significance. Review status: criteria provided, multiple submitters, no conflicts (2 of 4 stars). 3 submissions from 3 submitters: Uncertain significance (2). 1 of the submissions does not count toward it. Last evaluated 2025-01-06.

Conditions:
BBS4-related disorder. Also called: BBS4-related condition.
Bardet-Biedl syndrome (BBS). Identifiers: Orphanet 110, MedGen C0752166, MONDO:0015229.

Allele frequency attached by ClinVar (database versions not stated): gnomAD 0.00001 and 0.00002; gnomAD exomes 0.00002 and 0.00004; ExAC 0.00003; TOPMed 0.00005.
gnomAD v4.1: 36 of 1,614,142 alleles (0.0022%); highest among the groups gnomAD compares: East Asian, 0.016%; no homozygotes.

Submissions (3):

Labcorp Genetics (formerly Invitae), Labcorp
Classification: Uncertain significance for Bardet-Biedl syndrome. Last evaluated: 2025-01-06. Review status: criteria provided, single submitter. Criteria: Invitae Variant Classification Sherloc (09022015). Collection method: clinical testing. Allele origin: germline.
Comment: This sequence change affects codon 369 of the BBS4 mRNA. It is a 'silent' change, meaning that it does not change the encoded amino acid sequence of the BBS4 protein. It affects a nucleotide within the consensus splice site. This variant is present in population databases (rs773893992, gnomAD 0.03%). This variant has not been reported in the literature in individuals affected with BBS4-related conditions. ClinVar contains an entry for this variant (Variation ID: 941771). Algorithms developed to predict the effect of sequence changes on RNA splicing suggest that this variant may disrupt the consensus splice site. In summary, the available evidence is currently insufficient to determine the role of this variant in disease. Therefore, it has been classified as a Variant of Uncertain Significance.

Blueprint Genetics
Classification: Uncertain significance. Last evaluated: 2024-01-30. Review status: criteria provided, single submitter. Criteria: ACMG Guidelines, 2015. Collection method: clinical testing. Allele origin: germline.

PreventionGenetics, part of Exact Sciences
Classification: Uncertain significance for BBS4-related condition. Last evaluated: 2024-05-16. Review status: no assertion criteria provided. Collection method: clinical testing. Allele origin: germline. Not counted in ClinVar's aggregate classification.
Comment: The BBS4 c.1107G>A variant is not predicted to result in an amino acid change (p.=). This variant is predicted to alter splicing based on available splicing prediction programs (SpliceAI, Jaganathan et al. 2019. PubMed ID: 30661751). To our knowledge, this variant has not been reported in individuals with BBS4-related disorders in the literature. This variant is reported in 0.033% of alleles in individuals of East Asian descent in gnomAD. At this time, the clinical significance of this variant is uncertain due to the absence of conclusive functional and genetic evidence.